The following is an entry in ClinVar:

NM_001020658.2(PUM1):c.3118C>T (p.Gln1040Ter)

Gene: PUM1 (pumilio RNA binding family member 1; minus strand). Cytogenetic location: 1p35.2.
Variant type: single nucleotide variant.
Coding change: c.3118C>T on transcript NM_001020658.2 (MANE Select); coding-DNA position 3118, C replaced by T.
Protein change: p.Gln1040Ter; replaces glutamine 1040 with a stop codon.
Molecular consequence: nonsense.
Genome position (GRCh38, 1-based): chr1:30,942,000, G>A on the plus strand (C>T on the coding strand, the complement: PUM1 is on the minus strand). VCF-style: chr1-30942000-G-A. GRCh37 (hg19) VCF-style: chr1-31414847-G-A.
Other names: c.3112C>T, p.Gln1038Ter (NM_014676.3); short protein forms Q1038*, Q1040*.
Identifiers: ClinVar variation 4876761 (VCV004876761.1).

ClinVar aggregate classification (germline): Likely pathogenic (1 of 4 stars; one submission).

Conditions:
Spinocerebellar ataxia 47 (NEDMSF). Also called: neurodevelopmental disorder with motor abnormalities, seizures, and facial dysmorphism; PADDAS SYNDROME. Identifiers: Orphanet 642747, MedGen C4693672, MONDO:0033482, OMIM 620719.

Submission:

Human Genetics Bochum, Ruhr University Bochum
Classification: Likely pathogenic for Spinocerebellar ataxia 47. Last evaluated: 2026-02-12. Review status: criteria provided, single submitter. Criteria: ACMG Guidelines, 2015. Collection method: clinical testing. Allele origin: germline. Affected: yes.
Comment: ACMG criteria used to clasify this variant: PVS1, PM2_SUP